The following is an entry in ClinVar:

ClinVar aggregate classification (germline): Uncertain significance (1 of 4 stars; one submission).

Conditions:
Neurodevelopmental disorder with hypotonia, stereotypic hand movements, and impaired language. Also called: Intellectual disability, autosomal dominant 20. Identifiers: Orphanet 228384, Orphanet 664410, MedGen C3150700, MONDO:0013266, OMIM 613443.

Allele frequency attached by ClinVar (database versions not stated): gnomAD exomes below 0.00001 and 0.00002; TOPMed 0.00001; ExAC 0.00005.
gnomAD v4.1: 1 of 1,474,798 alleles (0.000068%); highest among the groups gnomAD compares: Non-Finnish European, 0.00009%; no homozygotes.

Submission:

Labcorp Genetics (formerly Invitae), Labcorp
Classification: Uncertain significance for Neurodevelopmental disorder with hypotonia, stereotypic hand movements, and impaired language. Last evaluated: 2024-03-20. Review status: criteria provided, single submitter. Criteria: Invitae Variant Classification Sherloc (09022015). Collection method: clinical testing. Allele origin: germline.
Comment: This sequence change falls in intron 10 of the MEF2C gene. It does not directly change the encoded amino acid sequence of the MEF2C protein. It affects a nucleotide within the consensus splice site. The frequency data for this variant in the population databases is considered unreliable, as metrics indicate poor data quality at this position in the gnomAD database. This variant has not been reported in the literature in individuals affected with MEF2C-related conditions. ClinVar contains an entry for this variant (Variation ID: 1353102). Variants that disrupt the consensus splice site are a relatively common cause of aberrant splicing (PMID: 17576681, 9536098). Algorithms developed to predict the effect of sequence changes on RNA splicing suggest that this variant is not likely to affect RNA splicing. In summary, the available evidence is currently insufficient to determine the role of this variant in disease. Therefore, it has been classified as a Variant of Uncertain Significance.

Literature cited by the submitters: PubMed 17576681; PubMed 9536098.

NM_002397.5(MEF2C):c.1100+3A>G

Gene: MEF2C (myocyte enhancer factor 2C; minus strand). Cytogenetic location: 5q14.3.
Variant type: single nucleotide variant.
Coding change: c.1100+3A>G on transcript NM_002397.5 (MANE Select); 3 bases into the intron after coding-DNA position 1100, A replaced by G.
Molecular consequence: intron variant.
Genome position (GRCh38, 1-based): chr5:88,728,490, T>C on the plus strand (A>G on the coding strand, the complement: MEF2C is on the minus strand). VCF-style: chr5-88728490-T-C. GRCh37 (hg19) VCF-style: chr5-88024307-T-C.
Other names: c.1100+3A>G (NM_001364329.2, NM_001364330.2, NM_001193350.2 and 9 more transcripts); c.1076+3A>G (NM_001364333.2, NM_001308002.3, NM_001364349.2 and 6 more transcripts); c.956+3A>G (NM_001364344.2, NM_001364354.2, NM_001364332.2 and 2 more transcripts); c.722+3A>G (NM_001364353.2, NM_001364356.2); c.1070+3A>G (NM_001131005.2, NM_001364352.2, NM_001364343.2); c.1130+3A>G (NM_001193347.1, NM_001364338.2); c.932+3A>G (NM_001193348.1); c.650+3A>G (NM_001364357.2).
Identifiers: ClinVar variation 1353102 (VCV001353102.6), dbSNP rs779821248, ClinGen allele CA3337199.